The following is an entry in ClinVar:

ClinVar aggregate classification (germline): Conflicting classifications of pathogenicity. Review status: criteria provided, conflicting classifications (1 of 4 stars). 24 submissions from 24 submitters: Uncertain significance (7); Benign (1); Likely benign (12). 4 of the submissions do not count toward it. Last evaluated 2026-02-03.

Conditions:
RAD51D-related disorder. Also called: RAD51D-related condition.
Breast and/or ovarian cancer. Identifiers: MedGen CN221562.
Hereditary cancer. Identifiers: MedGen C1333600.
Hereditary cancer-predisposing syndrome. Also called: Tumor predisposition; Hereditary neoplastic syndrome; Neoplastic Syndromes, Hereditary; Hereditary Cancer Syndrome. Identifiers: Orphanet 140162, MedGen C0027672, MeSH D009386, MONDO:0015356.
Breast-ovarian cancer, familial, susceptibility to, 4. Identifiers: Orphanet 145, MedGen C3280345, MONDO:0013669, OMIM 614291.
Hereditary breast ovarian cancer syndrome. Also called: Hereditary breast and ovarian cancer syndrome (HBOC); Hereditary breast and ovarian cancer; Hereditary breast and ovarian cancer syndrome; Breast and ovarian cancer; Hereditary breast and/or ovarian cancer syndrome; BRCA1- and BRCA2-Associated Hereditary Breast and Ovarian Cancer. Identifiers: Orphanet 145, MedGen C0677776, MeSH D061325, MONDO:0003582. Disease mechanism: loss of function.
Malignant tumor of breast. Also called: Malignant breast neoplasm; Cancer breast. Identifiers: MedGen C0006142, MONDO:0007254. Disease mechanism: loss of function.

Allele frequency attached by ClinVar (database versions not stated): ESP Exome Variant Server 0.00023; gnomAD 0.00041; TOPMed 0.00053; 1000 Genomes Project 30x 0.00062; 1000 Genomes Project 0.00080.
gnomAD v4.1: 299 of 1,613,870 alleles (0.019%); highest among the groups gnomAD compares: East Asian, 0.33%; 3 homozygotes.

Submissions 1 to 19 of 24:

Labcorp Genetics (formerly Invitae), Labcorp
Classification: Benign for Breast-ovarian cancer, familial, susceptibility to, 4. Last evaluated: 2026-02-03. Review status: criteria provided, single submitter. Criteria: Invitae Variant Classification Sherloc (09022015). Collection method: clinical testing. Allele origin: germline.

Institute for Biomarker Research, Medical Diagnostic Laboratories, L.L.C.
Classification: Likely benign for Hereditary breast ovarian cancer syndrome. Last evaluated: 2026-01-27. Review status: criteria provided, single submitter. Criteria: ACMG Guidelines, 2015. Collection method: clinical testing. Allele origin: germline.
Comment: The missense variant NM_002878.4(RAD51D):c.932T>A (p.Ile311Asn) has not been reported previously as a pathogenic variant, to our knowledge (Accession: VCV000127896.71). The p.Ile311Asn variant is observed in 77/18,394 (0.4186%) alleles from individuals of gnomAD East Asian background in gnomAD, which is greater than expected for the disorder. The p.Ile311Asn variant is not predicted to introduce a novel splice site by any splice site algorithm. For these reasons, this variant has been classified as Likely Benign.

PreventionGenetics, part of Exact Sciences
Classification: Likely benign for RAD51D-related condition. Last evaluated: 2025-07-24. Review status: criteria provided, single submitter. Criteria: ACMG Guidelines, 2015. Collection method: clinical testing. Allele origin: germline.
Comment: This variant is classified as likely benign based on ACMG/AMP sequence variant interpretation guidelines (Richards et al. 2015 PMID: 25741868, with internal and published modifications).

Molecular Diagnostics Laboratory, Catalan Institute of Oncology
Classification: Uncertain significance for Hereditary cancer-predisposing syndrome. Last evaluated: 2025-04-07. Review status: criteria provided, single submitter. Criteria: ACMG Guidelines, 2015. Collection method: clinical testing. Allele origin: germline.
Comment: c.932T>A, located in exon 10 of the RAD51D gene, is predicted to result in the substitution of isoleucine by asparagine at codon 311, p.(Ile311Asn).This variant is found in 85/19250 (1 homozygote), at a frequency of 0.33% in the gnomAD v2.1.1 database, non-cancer data set. The SpliceAI algorithm predicts no significant impact on splicing and the REVEL meta-predictor score (0.304) for this variant is indeterminate regarding the effect that it may have on protein function according Pejaver 2022 thresholds (PMID: 36413997). To our knowledge, functional studies have not been reported for this variant. This variant has been reported in the ClinVar database (12x uncertain significance, 7x likely benign, 1x benign) and LOVD (3x uncertain significance, 1x likely benign, 2x not classified) databases. Based on currently available information, the variant c.932T>A is classified as an uncertain significance variant according to ACMG guidelines.

Center for Genomic Medicine, Rigshospitalet, Copenhagen University Hospital
Classification: Uncertain significance. Last evaluated: 2025-03-04. Review status: criteria provided, single submitter. Criteria: ACMG Guidelines, 2015. Collection method: clinical testing. Allele origin: germline.

Laboratory of Genetics, Children's Clinical University Hospital Latvia
Classification: Likely benign. Last evaluated: 2025-02-16. Review status: criteria provided, single submitter. Criteria: ACMG Guidelines, 2015. Collection method: clinical testing. Allele origin: germline. Affected: yes.

Myriad Genetics, Inc.
Classification: Likely benign for Breast-ovarian cancer, familial, susceptibility to, 4. Last evaluated: 2024-12-13. Review status: criteria provided, single submitter. Criteria: Myriad Autosomal Dominant, Autosomal Recessive and X-Linked Classification Criteria (2023). Collection method: clinical testing. Allele origin: unknown.
Comment: This variant is considered likely benign. This variant is strongly associated with less severe personal and family histories of cancer, typical for individuals without pathogenic variants in this gene [PMID: 25085752].

Blueprint Genetics
Classification: Likely benign. Last evaluated: 2024-11-01. Review status: criteria provided, single submitter. Criteria: ACMG Guidelines, 2015. Collection method: clinical testing. Allele origin: germline.

CeGaT Center for Human Genetics Tuebingen
Classification: Likely benign. Last evaluated: 2024-08-01. Review status: criteria provided, single submitter. Criteria: CeGaT Center For Human Genetics Tuebingen Variant Classification Criteria Version 2. Collection method: clinical testing. Allele origin: germline. Affected: yes. Observed: 1 variant allele.
Comment: RAD51D: BP4, BS1

Mayo Clinic Laboratories, Mayo Clinic
Classification: Uncertain significance. Last evaluated: 2024-06-17. Review status: criteria provided, single submitter. Criteria: ACMG Guidelines, 2015. Collection method: clinical testing. Allele origin: germline. Observed: 1 variant allele.
Comment: BS1

Mendelics
Classification: Likely benign for Hereditary cancer. Last evaluated: 2024-01-23. Review status: criteria provided, single submitter. Criteria: ACMG Guidelines, 2015. Collection method: clinical testing. Allele origin: unknown.

Sema4
Classification: Likely benign for Hereditary cancer-predisposing syndrome. Last evaluated: 2021-07-14. Review status: criteria provided, single submitter. Criteria: Sema4 Curation Guidelines. Collection method: curation. Allele origin: germline.

CHEO Genetics Diagnostic Laboratory, Children's Hospital of Eastern Ontario
Classification: Likely benign for Breast and/or ovarian cancer. Last evaluated: 2021-06-11. Review status: criteria provided, single submitter. Criteria: ACMG Guidelines, 2015. Collection method: clinical testing. Allele origin: germline.

GeneDx
Classification: Uncertain significance. Last evaluated: 2021-05-03. Review status: criteria provided, single submitter. Criteria: GeneDx Variant Classification Process June 2021. Collection method: clinical testing. Allele origin: germline. Affected: yes.
Comment: In silico analysis supports that this missense variant has a deleterious effect on protein structure/function; This variant is associated with the following publications: (PMID: 22986143, 26824983, 32019284, 18951446, 28961279, 29263802, 29522266, 29338689, 30111881, 31159747, 31514334, 32255556, 32566746, 33785725, 32068069)

Quest Diagnostics Nichols Institute San Juan Capistrano
Classification: Likely benign. Last evaluated: 2021-01-22. Review status: criteria provided, single submitter. Criteria: Quest Diagnostics criteria. Collection method: clinical testing. Allele origin: unknown.

Genetic Services Laboratory, University of Chicago
Classification: Uncertain significance. Last evaluated: 2020-05-11. Review status: criteria provided, single submitter. Criteria: ACMG Guidelines, 2015. Collection method: clinical testing. Allele origin: germline. Affected: no.
Comment: DNA sequence analysis of the RAD51D gene demonstrated a sequence change, c.932T>A, in exon 10 that results in an amino acid change, p.Ile311Asn. This sequence change has been described in the gnomAD database with a frequency of 0.43% in the East Asian sub-population (dbSNP rs145309168). The p.Ile311Asn change has been reported in individuals with ovarian, breast, and peritoneal cancers (PMIDs: 30111881, 26824983, 22986143). Additionally, two different amino acid changes at the same location, p.Ile311Val and p.Ile311Met, have been reported for predisposition to hereditary breast and ovarian cancer (PMID: 31159747). The p.Ile311Asn change affects a highly conserved amino acid residue located in a domain of the RAD51D protein that is not known to be functional. The p.Ile311Asn substitution appears to be deleterious using several in-silico pathogenicity prediction tools (SIFT, PolyPhen2, Align GVGD, REVEL). Due to these contrasting evidences and the lack of functional studies, the clinical significance of the p.Ile311Asn change remains unknown at this time.

Ambry Genetics
Classification: Likely benign for Hereditary cancer-predisposing syndrome. Last evaluated: 2020-04-23. Review status: criteria provided, single submitter. Criteria: Ambry Variant Classification Scheme 2023. Collection method: clinical testing. Allele origin: germline.

Color Diagnostics, LLC DBA Color Health
Classification: Likely benign for Hereditary cancer-predisposing syndrome. Last evaluated: 2019-12-11. Review status: criteria provided, single submitter. Criteria: ACMG Guidelines, 2015. Collection method: clinical testing. Allele origin: germline.

Cancer Genomics Group, Japanese Foundation For Cancer Research
Classification: Uncertain significance for Hereditary breast and ovarian cancer syndrome. Last evaluated: 2019-05-01. Review status: criteria provided, single submitter. Criteria: ACMG Guidelines, 2015. Collection method: research. Allele origin: germline. Affected: yes.

NM_002878.4(RAD51D):c.932T>A (p.Ile311Asn)

Genes: RAD51D (RAD51 paralog D; minus strand), RAD51L3-RFFL (RAD51L3-RFFL readthrough; minus strand). Cytogenetic location: 17q12.
Variant type: single nucleotide variant.
Coding change: c.932T>A on transcript NM_002878.4 (MANE Select); coding-DNA position 932, T replaced by A.
Protein change: p.Ile311Asn; replaces isoleucine 311 with asparagine.
Molecular consequence: missense variant. On other transcripts: non-coding transcript variant (2).
Genome position (GRCh38, 1-based): chr17:35,101,008, A>T on the plus strand (T>A on the coding strand, the complement: RAD51D is on the minus strand). VCF-style: chr17-35101008-A-T. GRCh37 (hg19) VCF-style: chr17-33428027-A-T.
Other names: p.I311N:ATT>AAT; c.992T>A, p.Ile331Asn (NM_001142571.2); c.596T>A, p.Ile199Asn (NM_133629.3); short protein forms I311N, I199N, I331N.
Identifiers: ClinVar variation 127896 (VCV000127896.78), dbSNP rs145309168, ClinGen allele CA287993.